The following is an entry in ClinVar:

NM_001127208.3(TET2):c.3251A>C (p.Gln1084Pro)

Genes: TET2 (tet methylcytosine dioxygenase 2; plus strand), TET2-AS1 (TET2 antisense RNA 1; minus strand). Cytogenetic location: 4q24.
Variant type: single nucleotide variant.
Coding change: c.3251A>C on transcript NM_001127208.3 (MANE Select); coding-DNA position 3251, A replaced by C.
Protein change: p.Gln1084Pro; replaces glutamine 1084 with proline.
Molecular consequence: missense variant.
Genome position (GRCh38, 1-based): chr4:105,237,193, A>C. VCF-style: chr4-105237193-A-C. GRCh37 (hg19) VCF-style: chr4-106158350-A-C.
Other names: c.3251A>C, p.Gln1084Pro (NM_017628.4); short protein forms Q1084P.
Identifiers: ClinVar variation 135306 (VCV000135306.14), dbSNP rs75056899, ClinGen allele CA162295.

ClinVar aggregate classification (germline): Benign/Likely benign. Review status: criteria provided, multiple submitters, no conflicts (2 of 4 stars). 4 submissions from 4 submitters: Benign (1); Likely benign (2). 1 of the submissions does not count toward it. Last evaluated 2026-01-21.

Allele frequency attached by ClinVar (database versions not stated): 1000 Genomes Project 0.00220; TOPMed 0.00259; ESP Exome Variant Server 0.00261; ExAC 0.00263; 1000 Genomes Project 30x 0.00281; gnomAD exomes 0.00286 and 0.00338; gnomAD 0.00289 and 0.00305.
gnomAD v4.1: 5,329 of 1,614,184 alleles (0.33%); highest among the groups gnomAD compares: Non-Finnish European, 0.37%; 10 homozygotes.

Submissions (4):

Labcorp Genetics (formerly Invitae), Labcorp
Classification: Benign. Last evaluated: 2026-01-21. Review status: criteria provided, single submitter. Criteria: Invitae Variant Classification Sherloc (09022015). Collection method: clinical testing. Allele origin: germline.

ARUP Laboratories, Molecular Genetics and Genomics, ARUP Laboratories
Classification: Likely benign. Last evaluated: 2025-02-21. Review status: criteria provided, single submitter. Criteria: ARUP Molecular Germline Variant Investigation Process 2024. Collection method: clinical testing. Allele origin: germline.

Genetic Services Laboratory, University of Chicago
Classification: Likely benign. Last evaluated: 2021-06-04. Review status: criteria provided, single submitter. Criteria: ACMG Guidelines, 2015. Collection method: clinical testing. Allele origin: germline. Affected: no.

ITMI
No classification provided. Condition: AllHighlyPenetrant. Last evaluated: 2013-09-19. Review status: no classification provided. Collection method: reference population. Allele origin: germline. Not counted in ClinVar's aggregate classification.
Comment: Please see associated publication for description of ethnicities

Literature cited by the submitters: PubMed 24728327 (cited by ITMI).